The following is an entry in ClinVar:

ClinVar aggregate classification (germline): Pathogenic/Likely pathogenic. Review status: criteria provided, multiple submitters, no conflicts (2 of 4 stars). 10 submissions from 10 submitters: Pathogenic (8); Likely pathogenic (1). 1 of the submissions does not count toward it. Last evaluated 2025-12-30.

Conditions:
Hereditary cancer-predisposing syndrome. Also called: Hereditary Cancer Syndrome; Neoplastic Syndromes, Hereditary; Hereditary neoplastic syndrome; Tumor predisposition. Identifiers: Orphanet 140162, MedGen C0027672, MeSH D009386, MONDO:0015356.
Bloom syndrome (BLM). Also called: Bloom-Torre-Machacek syndrome. Identifiers: Orphanet 125, MedGen C0005859, MONDO:0008876, OMIM 210900.

Allele frequency attached by ClinVar (database versions not stated): TOPMed below 0.00001; gnomAD exomes 0.00001.

Submissions (10):

Natera, Inc.
Classification: Pathogenic for Bloom syndrome. Last evaluated: 2025-12-30. Review status: criteria provided, single submitter. Criteria: Natera Variant Classification Schema (03/2026). Collection method: clinical testing. Allele origin: germline.
Comment: The c.2250_2251insAAAT variant in BLM is a frameshift variant predicted to shift the reading frame beginning at codon 751 and leads to a stop codon 25 codons downstream. This variant is expected to result in nonsense mediated decay, truncation, or a dysfunctional protein product. This variant is rare in the general population with a frequency below the threshold expected for the associated phenotype(s). This variant has been observed in one or more individuals affected with the associated recessive disease, as either homozygous or compound heterozygous with a second variant (PMID: 17407155). Given the available evidence, this variant is classified as Pathogenic.

Myriad Genetics, Inc.
Classification: Pathogenic for Bloom syndrome. Last evaluated: 2025-12-10. Review status: criteria provided, single submitter. Criteria: Myriad Autosomal Dominant, Autosomal Recessive and X-Linked Classification Criteria (2023). Collection method: clinical testing. Allele origin: unknown.
Comment: This variant is considered pathogenic. This variant creates a frameshift predicted to result in premature protein truncation.

Labcorp Genetics (formerly Invitae), Labcorp
Classification: Pathogenic for Bloom syndrome. Last evaluated: 2025-12-08. Review status: criteria provided, single submitter. Criteria: Invitae Variant Classification Sherloc (09022015). Collection method: clinical testing. Allele origin: germline.
Comment: This sequence change creates a premature translational stop signal (p.Leu751Lysfs*25) in the BLM gene. It is expected to result in an absent or disrupted protein product. Loss-of-function variants in BLM are known to be pathogenic (PMID: 17407155). This variant is present in population databases (rs786204471, gnomAD 0.002%). This premature translational stop signal has been observed in individual(s) with Bloom's syndrome (PMID: 17407155). ClinVar contains an entry for this variant (Variation ID: 188790). For these reasons, this variant has been classified as Pathogenic.

Baylor Genetics
Classification: Pathogenic for Bloom syndrome. Last evaluated: 2024-02-03. Review status: criteria provided, single submitter. Criteria: ACMG Guidelines, 2015. Collection method: clinical testing. Allele origin: unknown.

St. Jude Molecular Pathology, St. Jude Children's Research Hospital
Classification: Likely pathogenic for Bloom syndrome. Last evaluated: 2023-03-13. Review status: criteria provided, single submitter. Criteria: St. Jude Assertion Criteria 2020. Collection method: clinical testing. Allele origin: germline.
Comment: The BLM c.2250_2251insAAAT (p.Leu751LysfsTer25) change results from the insertion of 4 nucleotides to cause a frameshift and the creation of a premature stop codon. This change is predicted to cause protein truncation or absence of the protein due to nonsense-mediated decay. This variant has been reported in the compound heterozygous state in two individuals with Bloom syndrome (PMID: 17407155). It has been reported in the heterozygous state in at least one individual with colorectal cancer (PMID: 29478780). This variant has a maximum subpopulation frequency of 0.0018% in gnomAD v2.1.1. In summary, this variant meets criteria to be classified as likely pathogenic.

Ambry Genetics
Classification: Pathogenic for Hereditary cancer-predisposing syndrome. Last evaluated: 2022-12-14. Review status: criteria provided, single submitter. Criteria: Ambry Variant Classification Scheme 2023. Collection method: clinical testing. Allele origin: germline.
Comment: The c.2250_2251insAAAT variant, located in coding exon 9 of the BLM gene, results from an insertion of 4 nucleotides at position 2250, causing a translational frameshift with a predicted alternate stop codon (p.L751Kfs*25). This alteration has been detected in the compound heterozygous state in two individuals affected with Bloom syndrome (German J et al. Hum. Mutat. 2007 Aug;28:743-53). This alteration has also been detected in a patient affected with colorectal cancer (AlDubayan SH et al. Am. J. Hum. Genet. 2018 03;102:401-414). In addition to the clinical data presented in the literature, this alteration is expected to result in loss of function by premature protein truncation or nonsense-mediated mRNA decay. As such, this alteration is interpreted as a disease-causing mutation.

Fulgent Genetics
Classification: Pathogenic for Bloom syndrome. Last evaluated: 2022-04-27. Review status: criteria provided, single submitter. Criteria: ACMG Guidelines, 2015. Collection method: clinical testing. Allele origin: unknown.

Women's Health and Genetics/Laboratory Corporation of America, LabCorp
Classification: Pathogenic for Bloom syndrome. Last evaluated: 2021-02-13. Review status: criteria provided, single submitter. Criteria: LabCorp Variant Classification Summary - May 2015. Collection method: clinical testing. Allele origin: germline.
Comment: Variant summary: BLM c.2250_2251insAAAT (p.Leu751LysfsX25) results in a premature termination codon, predicted to cause a truncation of the encoded protein or absence of the protein due to nonsense mediated decay, which are commonly known mechanisms for disease. Truncations downstream of this position have been classified as pathogenic by our laboratory. The variant allele was found at a frequency of 8e-06 in 250286 control chromosomes. c.2250_2251insAAAT has been reported in the literature in at-least two individuals with Bloom syndrome (German_2007) and in heterozygote carrier individuals tested in studies evaluating inherited DNA-repair defects in patients with colorectal cancer (AlDubayan_2018) and germline BLM mutations in metastatic prostate cancer (Ledet_2020). To our knowledge, no experimental evidence demonstrating an impact on protein function has been reported. Two clinical diagnostic laboratories have submitted clinical-significance assessments for this variant to ClinVar after 2014 and classified the variant as pathogenic citing overlapping evidence utilized in the context of this evaluation. Based on the evidence outlined above, the variant was classified as pathogenic.

Revvity Omics, Revvity
Classification: Pathogenic for Bloom syndrome. Last evaluated: 2019-04-23. Review status: criteria provided, single submitter. Criteria: ACMG Guidelines, 2015. Collection method: clinical testing. Allele origin: germline.

Counsyl
Classification: Likely pathogenic for Bloom syndrome. Last evaluated: 2014-05-15. Review status: no assertion criteria provided. Collection method: literature only. Allele origin: unknown. Inheritance: Autosomal recessive inheritance. Not counted in ClinVar's aggregate classification.

Literature cited by the submitters: PubMed 17407155 (cited by 5 submitters); PubMed 29478780 (cited by Ambry Genetics and Women's Health and Genetics/Laboratory Corporation of America, LabCorp); PubMed 25129257 (cited by Women's Health and Genetics/Laboratory Corporation of America, LabCorp); PubMed 31816118 (cited by Women's Health and Genetics/Laboratory Corporation of America, LabCorp).

NM_000057.4(BLM):c.2250_2251insAAAT (p.Leu751fs)

Gene: BLM (BLM RecQ like helicase; plus strand). Cytogenetic location: 15q26.1.
Variant type: Insertion.
Coding change: c.2250_2251insAAAT on transcript NM_000057.4 (MANE Select); coding-DNA positions 2250 to 2251, AAAT inserted.
Protein change: p.Leu751fs; shifts the reading frame from leucine 751.
Molecular consequence: frameshift variant.
Genome position: GRCh38 VCF-style: chr15-90766966-C-CAAAT. GRCh37 (hg19) VCF-style: chr15-91310196-C-CAAAT.
Other names: c.2250_2251insAAAT, p.Leu751fs (NM_001287246.2, NM_001287247.2); c.1125_1126insAAAT, p.Leu376fs (NM_001287248.2); c.2250_2251insAAAT (LRG_20t1); short protein forms L376fs, L751fs.
Identifiers: ClinVar variation 188790 (VCV000188790.31), dbSNP rs786204471, ClinGen allele CA273962.
Genomic context (GRCh38, chr15:90,766,966, plus strand): 5'-TTAGATTCCAGCTACATATCTGACAGGTGATAAGACTGACTCAGAAGCTACAAATATTTA[C>CAAAT]CTCCAGTTATCAAAAAAAGACCCAATCATAAAACTTCTATATGTCACTCCAGAAAAGGTT-3'